The following is an entry in ClinVar:

ClinVar aggregate classification (germline): Uncertain significance (1 of 4 stars; one submission).

Submission:

Institute for Clinical Genetics, University Hospital TU Dresden, University Hospital TU Dresden
Classification: Uncertain significance. Last evaluated: 2022-02-28. Review status: criteria provided, single submitter. Criteria: ACMG Guidelines, 2015. Collection method: clinical testing. Allele origin: germline.
Comment: PVS1_MOD, PM2_SUP

NM_021035.3(ZNFX1):c.5345_5348del (p.Asp1782fs)

Gene: ZNFX1 (zinc finger NFX1-type containing 1; minus strand). Cytogenetic location: 20q13.13.
Variant type: Deletion.
Coding change: c.5345_5348del on transcript NM_021035.3 (MANE Select); coding-DNA positions 5345 to 5348, 4 bases deleted (ATAG; older notation c.5345_5348delATAG).
Protein change: p.Asp1782fs; shifts the reading frame from aspartic acid 1782.
Molecular consequence: frameshift variant.
Genome position (GRCh38, 1-based): chr20:49,247,676-49,247,679, CTAT deleted on the plus strand (ATAG on the coding strand, the reverse complement: ZNFX1 is on the minus strand); deleting any 4 consecutive bases within chr20:49,247,676-49,247,681 gives the same sequence; the c. name uses the placement nearest the transcript's 3' end. VCF-style (leftmost placement, unchanged base first): chr20-49247675-GCTAT-G. GRCh37 (hg19) VCF-style: chr20-47864212-GCTAT-G.
Other names: short protein forms D1782fs.
Identifiers: ClinVar variation 2575951 (VCV002575951.1), dbSNP rs2516763564, ClinGen allele CA2580616330.